The following is an entry in ClinVar:

ClinVar aggregate classification (germline): Likely benign (1 of 4 stars; one submission).

Allele frequency attached by ClinVar (database versions not stated): ExAC 0.00003; gnomAD exomes 0.00004.

Submission:

CeGaT Center for Human Genetics Tuebingen
Classification: Likely benign. Last evaluated: 2022-09-01. Review status: criteria provided, single submitter. Criteria: CeGaT Center For Human Genetics Tuebingen Variant Classification Criteria Version 2. Collection method: clinical testing. Allele origin: germline. Affected: yes. Observed: 1 variant allele.
Comment: POLR2A: BP4

NM_000937.5(POLR2A):c.2350-5C>T

Genes: POLR2A (RNA polymerase II subunit A; plus strand), LOC126862481 (BRD4-independent group 4 enhancer GRCh37_chr17:7405086-7406285; plus strand). Cytogenetic location: 17p13.1.
Variant type: single nucleotide variant.
Coding change: c.2350-5C>T on transcript NM_000937.5 (MANE Select); 5 bases into the intron before coding-DNA position 2350, C replaced by T.
Molecular consequence: intron variant.
Genome position (GRCh38, 1-based): chr17:7,501,895, C>T. VCF-style: chr17-7501895-C-T. GRCh37 (hg19) VCF-style: chr17-7405214-C-T.
Identifiers: ClinVar variation 2647349 (VCV002647349.24), dbSNP rs765355429, ClinGen allele CA8349704.